The following is an entry in ClinVar:

NM_002206.3(ITGA7):c.3268C>T (p.Gln1090Ter)

Gene: ITGA7 (integrin subunit alpha 7; minus strand). Cytogenetic location: 12q13.2.
Variant type: single nucleotide variant.
Coding change: c.3268C>T on transcript NM_002206.3 (MANE Select); coding-DNA position 3268, C replaced by T.
Protein change: p.Gln1090Ter; replaces glutamine 1090 with a stop codon.
Molecular consequence: nonsense.
Genome position (GRCh38, 1-based): chr12:55,685,204, G>A on the plus strand (C>T on the coding strand, the complement: ITGA7 is on the minus strand). VCF-style: chr12-55685204-G-A. GRCh37 (hg19) VCF-style: chr12-56078988-G-A.
Other names: c.3280C>T, p.Gln1094Ter (NM_001144996.2); c.2989C>T, p.Gln997Ter (NM_001144997.2); c.2941C>T, p.Gln981Ter (NM_001367993.1); c.1924C>T, p.Gln642Ter (NM_001367994.1); c.3250C>T, p.Gln1084Ter (NM_001374465.1); c.3400C>T, p.Gln1134Ter (NM_001410977.1); c.3262C>T, p.Gln1088Ter (NM_001414029.1); c.3193C>T, p.Gln1065Ter (NM_001414030.1); and 5 more; short protein forms Q997*, Q1090*, Q1094*, Q642*, Q981*, Q1084*, Q1134*, Q1088*.
Identifiers: ClinVar variation 470579 (VCV000470579.25), dbSNP rs200390529, ClinGen allele CA6615254.

ClinVar aggregate classification (germline): Conflicting classifications of pathogenicity. Review status: criteria provided, conflicting classifications (1 of 4 stars). 9 submissions from 9 submitters: Uncertain significance (8); Likely benign (1). Last evaluated 2025-08-12.

Conditions:
Congenital muscular dystrophy due to integrin alpha-7 deficiency. Also called: Congenital muscular dystrophy with integrin alpha-7 deficiency; Muscular dystrophy, congenital, due to ITGA7 deficiency; MYOPATHY, CONGENITAL, DUE TO INTEGRIN ALPHA-7 DEFICIENCY. Identifiers: Orphanet 34520, MedGen C2750786, MONDO:0013177, OMIM 613204.

Allele frequency attached by ClinVar (database versions not stated): ESP Exome Variant Server 0.00008; gnomAD exomes 0.00020 and 0.00029; gnomAD 0.00025; TOPMed 0.00025; ExAC 0.00031.
gnomAD v4.1: 346 of 1,614,194 alleles (0.021%); highest among the groups gnomAD compares: Middle Eastern, 0.099%; 1 homozygote.

Submissions (9):

Revvity Omics, Revvity
Classification: Likely benign for Congenital muscular dystrophy due to integrin alpha-7 deficiency. Last evaluated: 2025-08-12. Review status: criteria provided, single submitter. Criteria: ACMG Guidelines, 2015. Collection method: clinical testing. Allele origin: germline.

GeneDx
Classification: Uncertain significance. Last evaluated: 2025-02-21. Review status: criteria provided, single submitter. Criteria: GeneDx Variant Classification Process June 2021. Collection method: clinical testing. Allele origin: germline. Affected: yes.
Comment: Nonsense variant predicted to result in protein truncation as the last 48 amino acid(s) are lost; This variant is associated with the following publications: (PMID: 36964972, 39397694)

Blueprint Genetics
Classification: Uncertain significance. Last evaluated: 2024-11-23. Review status: criteria provided, single submitter. Criteria: ACMG Guidelines, 2015. Collection method: clinical testing. Allele origin: germline.

Genomic Medicine Center of Excellence, King Faisal Specialist Hospital and Research Centre
Classification: Uncertain significance for Congenital muscular dystrophy due to integrin alpha-7 deficiency. Last evaluated: 2024-04-04. Review status: criteria provided, single submitter. Criteria: ACMG Guidelines, 2015. Collection method: clinical testing. Allele origin: germline.

Genomic Research Center, Shahid Beheshti University of Medical Sciences
Classification: Uncertain significance for Congenital muscular dystrophy due to integrin alpha-7 deficiency. Last evaluated: 2023-12-30. Review status: criteria provided, single submitter. Criteria: ACMG Guidelines, 2015. Collection method: clinical testing. Allele origin: inherited.

Department of Pathology and Laboratory Medicine, Sinai Health System
Classification: Uncertain significance for Congenital muscular dystrophy due to integrin alpha-7 deficiency. Last evaluated: 2023-02-05. Review status: criteria provided, single submitter. Criteria: ACMG Guidelines, 2015. Collection method: research. Allele origin: germline.

Labcorp Genetics (formerly Invitae), Labcorp
Classification: Uncertain significance for Congenital muscular dystrophy due to integrin alpha-7 deficiency. Last evaluated: 2022-08-31. Review status: criteria provided, single submitter. Criteria: Invitae Variant Classification Sherloc (09022015). Collection method: clinical testing. Allele origin: germline.
Comment: This sequence change creates a premature translational stop signal (p.Gln1090*) in the ITGA7 gene. While this is not anticipated to result in nonsense mediated decay, it is expected to disrupt the last 48 amino acid(s) of the ITGA7 protein. This variant is present in population databases (rs200390529, gnomAD 0.05%). This variant has not been reported in the literature in individuals affected with ITGA7-related conditions. ClinVar contains an entry for this variant (Variation ID: 470579). Experimental studies and prediction algorithms are not available or were not evaluated, and the functional significance of this variant is currently unknown. In summary, the available evidence is currently insufficient to determine the role of this variant in disease. Therefore, it has been classified as a Variant of Uncertain Significance.

Women's Health and Genetics/Laboratory Corporation of America, LabCorp
Classification: Uncertain significance. Last evaluated: 2022-05-18. Review status: criteria provided, single submitter. Criteria: LabCorp Variant Classification Summary - May 2015. Collection method: clinical testing. Allele origin: germline.
Comment: Variant summary: ITGA7 c.3268C>T (p.Gln1090X) results in a premature termination codon. While not predicted cause nonsense mediated decay, this truncation removes the last 48 amino acids in the encoded protein sequence. Truncations downstream of this position have been classified as VUS within ClinVar (e.g. c.3316_3325del [p.Ser1106fs]). The variant allele was found at a frequency of 0.00029 in 251426 control chromosomes (gnomAD). To our knowledge, no occurrence of c.3268C>T in individuals affected with Congenital Muscular Dystrophy Due To Integrin Alpha-7 Deficiency and no experimental evidence demonstrating its impact on protein function have been reported. Four ClinVar submitters have assessed the variant since 2014: three classified the variant as of uncertain significance and one as likely pathogenic. Based on the evidence outlined above, the variant was classified as uncertain significance.

Institute of Human Genetics, University of Leipzig Medical Center
Classification: Uncertain significance for Congenital muscular dystrophy due to integrin alpha-7 deficiency. Last evaluated: 2019-02-01. Review status: criteria provided, single submitter. Criteria: ACMG Guidelines, 2015. Collection method: clinical testing. Allele origin: germline. Affected: yes. Observed: 1 variant allele.